The following is an entry in ClinVar:

NM_000188.3(HK1):c.1766T>C (p.Met589Thr)

Gene: HK1 (hexokinase 1; plus strand). Cytogenetic location: 10q22.1.
Variant type: single nucleotide variant.
Coding change: c.1766T>C on transcript NM_000188.3 (MANE Select); coding-DNA position 1766, T replaced by C.
Protein change: p.Met589Thr; replaces methionine 589 with threonine.
Molecular consequence: missense variant.
Genome position (GRCh38, 1-based): chr10:69,384,842, T>C. VCF-style: chr10-69384842-T-C. GRCh37 (hg19) VCF-style: chr10-71144598-T-C.
Other names: c.1778T>C, p.Met593Thr (NM_001322364.2, NM_001358263.1, NM_033497.3 and 1 more transcripts); c.1871T>C, p.Met624Thr (NM_001322365.2); c.1682T>C, p.Met561Thr (NM_001322366.1); c.1670T>C, p.Met557Thr (NM_001322367.1); c.1763T>C, p.Met588Thr (NM_033496.3); c.1730T>C, p.Met577Thr (NM_033500.2); short protein forms M557T, M588T, M589T, M593T, M624T, M561T, M577T.
Identifiers: ClinVar variation 872700 (VCV000872700.51), dbSNP rs756814664, ClinGen allele CA5532680.

ClinVar aggregate classification (germline): Uncertain significance. Review status: criteria provided, multiple submitters, no conflicts (2 of 4 stars). 4 submissions from 4 submitters: Uncertain significance (4). Last evaluated 2026-07-21.

Conditions:
HK1-related disorder. Also called: HK1-related condition; HK1-related disorders.
Inborn genetic diseases. Identifiers: MedGen C0950123, MeSH D030342.

Allele frequency attached by ClinVar (database versions not stated): ExAC 0.00002; gnomAD exomes 0.00004 and 0.00008; gnomAD 0.00005 and 0.00006; TOPMed 0.00006.
gnomAD v4.1: 130 of 1,614,060 alleles (0.0081%); highest among the groups gnomAD compares: Non-Finnish European, 0.011%; no homozygotes.

Submissions (4):

PreventionGenetics, part of Exact Sciences
Classification: Uncertain significance for HK1-related condition. Last evaluated: 2026-07-21. Review status: criteria provided, single submitter. Criteria: ACMG Guidelines, 2015. Collection method: clinical testing. Allele origin: germline.
Comment: The HK1 c.1766T>C variant is predicted to result in the amino acid substitution p.Met589Thr. To our knowledge, this variant has not been reported in the literature. This variant is reported in 0.0085% of alleles in individuals of European (Non-Finnish) descent in gnomAD. At this time, the clinical significance of this variant is uncertain due to the absence of conclusive functional and genetic evidence.

Labcorp Genetics (formerly Invitae), Labcorp
Classification: Uncertain significance. Last evaluated: 2025-07-27. Review status: criteria provided, single submitter. Criteria: Invitae Variant Classification Sherloc (09022015). Collection method: clinical testing. Allele origin: germline.
Comment: This sequence change replaces methionine, which is neutral and non-polar, with threonine, which is neutral and polar, at codon 589 of the HK1 protein (p.Met589Thr). This variant is present in population databases (rs756814664, gnomAD 0.009%). This variant has not been reported in the literature in individuals affected with HK1-related conditions. ClinVar contains an entry for this variant (Variation ID: 872700). Invitae Evidence Modeling of protein sequence and biophysical properties (such as structural, functional, and spatial information, amino acid conservation, physicochemical variation, residue mobility, and thermodynamic stability) indicates that this missense variant is not expected to disrupt HK1 protein function with a negative predictive value of 80%. In summary, the available evidence is currently insufficient to determine the role of this variant in disease. Therefore, it has been classified as a Variant of Uncertain Significance.

Ambry Genetics
Classification: Uncertain significance for Inborn genetic diseases. Last evaluated: 2023-01-26. Review status: criteria provided, single submitter. Criteria: Ambry Variant Classification Scheme 2023. Collection method: clinical testing. Allele origin: germline.

CeGaT Center for Human Genetics Tuebingen
Classification: Uncertain significance. Last evaluated: 2019-10-01. Review status: criteria provided, single submitter. Criteria: CeGaT Center For Human Genetics Tuebingen Variant Classification Criteria Version 2. Collection method: clinical testing. Allele origin: germline. Affected: yes. Observed: 1 variant allele.